The following is an entry in ClinVar:

NM_006343.3(MERTK):c.710G>A (p.Arg237His)

Gene: MERTK (MER proto-oncogene, tyrosine kinase; plus strand). Cytogenetic location: 2q13.
Variant type: single nucleotide variant.
Coding change: c.710G>A on transcript NM_006343.3 (MANE Select); coding-DNA position 710, G replaced by A.
Protein change: p.Arg237His; replaces arginine 237 with histidine.
Molecular consequence: missense variant.
Genome position (GRCh38, 1-based): chr2:111,947,520, G>A. VCF-style: chr2-111947520-G-A. GRCh37 (hg19) VCF-style: chr2-112705097-G-A.
Other names: short protein forms R237H.
Identifiers: ClinVar variation 892711 (VCV000892711.14), dbSNP rs199707021, ClinGen allele CA1831129.

ClinVar aggregate classification (germline): Uncertain significance. Review status: criteria provided, multiple submitters, no conflicts (2 of 4 stars). 5 submissions from 5 submitters: Uncertain significance (5). Last evaluated 2025-12-05.

Conditions:
MERTK-related disorder. Also called: MERTK-related condition.
Retinitis pigmentosa (RP). Identifiers: Orphanet 791, MedGen C0035334, MeSH D012174, MONDO:0019200, OMIM 268000. Inheritance: Autosomal dominant, autosomal recessive and X linked inheritance.

Allele frequency attached by ClinVar (database versions not stated): TOPMed 0.00005; gnomAD 0.00006 and 0.00007; ESP Exome Variant Server 0.00008; gnomAD exomes 0.00008 and 0.00010; ExAC 0.00016; 1000 Genomes Project 0.00040; 1000 Genomes Project 30x 0.00047.
gnomAD v4.1: 125 of 1,614,186 alleles (0.0077%); highest among the groups gnomAD compares: Middle Eastern, 0.017%; 1 homozygote.

Submissions (5):

PreventionGenetics, part of Exact Sciences
Classification: Uncertain significance for MERTK-related condition. Last evaluated: 2025-12-05. Review status: criteria provided, single submitter. Criteria: ACMG Guidelines, 2015. Collection method: clinical testing. Allele origin: germline.
Comment: The MERTK c.710G>A variant is predicted to result in the amino acid substitution p.Arg237His. To our knowledge, this variant has not been reported in the literature. This variant is reported in 0.022% of alleles in individuals of European (Non-Finnish) descent in gnomAD. At this time, the clinical significance of this variant is uncertain due to the absence of conclusive functional and genetic evidence.

Dasa
Classification: Uncertain significance. Last evaluated: 2025-07-28. Review status: criteria provided, single submitter. Criteria: DASA Assertion Criteria. Collection method: clinical testing. Allele origin: germline.
Comment: NM_006343.3(MERTK):c.710G>A (p.Arg237His) is a missense variant that results in the substitution of arginine with histidine. This variant is rare in population databases. Computational prediction algorithms are consistent with a benign effect. The currently available literature and clinical evidence are not sufficient to establish a definitive association between this variant and the reported condition. Therefore, this variant is classified as a variant of uncertain significance.

Labcorp Genetics (formerly Invitae), Labcorp
Classification: Uncertain significance. Last evaluated: 2025-05-05. Review status: criteria provided, single submitter. Criteria: Invitae Variant Classification Sherloc (09022015). Collection method: clinical testing. Allele origin: germline.
Comment: This sequence change replaces arginine, which is basic and polar, with histidine, which is basic and polar, at codon 237 of the MERTK protein (p.Arg237His). This variant is present in population databases (rs199707021, gnomAD 0.02%). This variant has not been reported in the literature in individuals affected with MERTK-related conditions. ClinVar contains an entry for this variant (Variation ID: 892711). Invitae Evidence Modeling of protein sequence and biophysical properties (such as structural, functional, and spatial information, amino acid conservation, physicochemical variation, residue mobility, and thermodynamic stability) indicates that this missense variant is not expected to disrupt MERTK protein function with a negative predictive value of 80%. In summary, the available evidence is currently insufficient to determine the role of this variant in disease. Therefore, it has been classified as a Variant of Uncertain Significance.

Blueprint Genetics
Classification: Uncertain significance. Last evaluated: 2024-08-30. Review status: criteria provided, single submitter. Criteria: ACMG Guidelines, 2015. Collection method: clinical testing. Allele origin: germline.

Illumina Laboratory Services, Illumina
Classification: Uncertain significance for Retinitis pigmentosa. Last evaluated: 2018-01-12. Review status: criteria provided, single submitter. Criteria: ICSL Variant Classification Criteria 13 December 2019. Collection method: clinical testing. Allele origin: germline.